The following is an entry in ClinVar:

NM_003865.3(HESX1):c.405C>G (p.Ile135Met)

Gene: HESX1 (HESX homeobox 1; minus strand). Cytogenetic location: 3p14.3.
Variant type: single nucleotide variant.
Coding change: c.405C>G on transcript NM_003865.3 (MANE Select); coding-DNA position 405, C replaced by G.
Protein change: p.Ile135Met; replaces isoleucine 135 with methionine.
Molecular consequence: missense variant. On other transcripts: non-coding transcript variant (1).
Genome position (GRCh38, 1-based): chr3:57,198,445, G>C on the plus strand (C>G on the coding strand, the complement: HESX1 is on the minus strand). VCF-style: chr3-57198445-G-C. GRCh37 (hg19) VCF-style: chr3-57232473-G-C.
Other names: c.405C>G, p.Ile135Met (NM_001376058.1, NM_001376059.1, NM_001376060.1 and 1 more transcripts); short protein forms I135M.
Identifiers: ClinVar variation 1488340 (VCV001488340.6), dbSNP rs190201411, ClinGen allele CA353400813.
Genomic context (GRCh38, chr3:57,198,445, plus strand): 5'-AATTACCTGGATTCTGTCTTCCTCTAGATTCAATTTTTGAGCTAAGTCTTCTCTAATATC[G>C]ATACCAGGATAGCAGTTTACTCTAAAGACATTTTCTAACACTTCAATCTAAGAAAAAAAA-3'
Protein context (NP_003856.1, residues 125-145): NVFRVNCYPG[Ile135Met]DIREDLAQKL

ClinVar aggregate classification (germline): Uncertain significance (1 of 4 stars; one submission).

Conditions:
Septo-optic dysplasia sequence (SOD). Also called: Septo-optic dysplasia; DE MORSIER SYNDROME. Identifiers: Orphanet 3157, MedGen C0338503, MONDO:0008428, OMIM 182230, HP:0100842.
GROWTH HORMONE DEFICIENCY WITH PITUITARY ANOMALIES. Identifiers: MedGen C2750027, OMIM 182230.

Allele frequency attached by ClinVar (database versions not stated): TOPMed below 0.00001.
gnomAD v4.1: 1 of 1,606,512 alleles (0.000062%); highest among the groups gnomAD compares: Non-Finnish European, 0.000085%; no homozygotes.

Submission:

Labcorp Genetics (formerly Invitae), Labcorp
Classification: Uncertain significance for GROWTH HORMONE DEFICIENCY WITH PITUITARY ANOMALIES; Septo-optic dysplasia sequence. Last evaluated: 2022-10-13. Review status: criteria provided, single submitter. Criteria: Invitae Variant Classification Sherloc (09022015). Collection method: clinical testing. Allele origin: germline.
Comment: In summary, the available evidence is currently insufficient to determine the role of this variant in disease. Therefore, it has been classified as a Variant of Uncertain Significance. Algorithms developed to predict the effect of missense changes on protein structure and function are either unavailable or do not agree on the potential impact of this missense change (SIFT: "Deleterious"; PolyPhen-2: "Probably Damaging"; Align-GVGD: "Class C0"). ClinVar contains an entry for this variant (Variation ID: 1488340). This variant has not been reported in the literature in individuals affected with HESX1-related conditions. This variant is not present in population databases (gnomAD no frequency). This sequence change replaces isoleucine, which is neutral and non-polar, with methionine, which is neutral and non-polar, at codon 135 of the HESX1 protein (p.Ile135Met).